The following is an entry in ClinVar:

ClinVar aggregate classification (germline): Uncertain significance (1 of 4 stars; one submission).

Allele frequency attached by ClinVar (database versions not stated): gnomAD 0.00001; TOPMed 0.00001; 1000 Genomes Project 30x 0.00016; 1000 Genomes Project 0.00020.
gnomAD v4.1: 10 of 1,487,740 alleles (0.00067%); highest among the groups gnomAD compares: African/African-American, 0.0014%; no homozygotes.

Submission:

Labcorp Genetics (formerly Invitae), Labcorp
Classification: Uncertain significance. Last evaluated: 2022-03-15. Review status: criteria provided, single submitter. Criteria: Invitae Variant Classification Sherloc (09022015). Collection method: clinical testing. Allele origin: germline.
Comment: This variant has not been reported in the literature in individuals affected with SHROOM3-related conditions. Algorithms developed to predict the effect of missense changes on protein structure and function are either unavailable or do not agree on the potential impact of this missense change (SIFT: "Tolerated"; PolyPhen-2: "Probably Damaging"; Align-GVGD: "Class C0"). In summary, the available evidence is currently insufficient to determine the role of this variant in disease. Therefore, it has been classified as a Variant of Uncertain Significance.

NM_020859.4(SHROOM3):c.2831G>C (p.Arg944Pro)

Genes: SHROOM3 (shroom family member 3; plus strand), SHROOM3-AS1 (SHROOM3 antisense RNA 1; minus strand). Cytogenetic location: 4q21.1.
Variant type: single nucleotide variant.
Coding change: c.2831G>C on transcript NM_020859.4 (MANE Select); coding-DNA position 2831, G replaced by C.
Protein change: p.Arg944Pro; replaces arginine 944 with proline.
Molecular consequence: missense variant.
Genome position (GRCh38, 1-based): chr4:76,741,004, G>C. VCF-style: chr4-76741004-G-C. GRCh37 (hg19) VCF-style: chr4-77662157-G-C.
Other names: short protein forms R944P.
Identifiers: ClinVar variation 2163364 (VCV002163364.1), dbSNP rs145035894, ClinGen allele CA2972649.